The following is an entry in ClinVar:

NM_015102.5(NPHP4):c.1503+22C>T

Gene: NPHP4 (nephrocystin 4; minus strand). Cytogenetic location: 1p36.31.
Variant type: single nucleotide variant.
Coding change: c.1503+22C>T on transcript NM_015102.5 (MANE Select); 22 bases into the intron after coding-DNA position 1503, C replaced by T.
Molecular consequence: intron variant.
Genome position (GRCh38, 1-based): chr1:5,909,130, G>A on the plus strand (C>T on the coding strand, the complement: NPHP4 is on the minus strand). VCF-style: chr1-5909130-G-A. GRCh37 (hg19) VCF-style: chr1-5969190-G-A.
Other names: p.?; c.76-3347C>T (NM_001291594.2); c.76-3350C>T (NM_001291593.2).
Identifiers: ClinVar variation 4684216 (VCV004684216.1).

ClinVar aggregate classification (germline): Likely benign (1 of 4 stars; one submission).

gnomAD v4.1: 36 of 1,569,722 alleles (0.0023%); highest among the groups gnomAD compares: South Asian, 0.041%; 1 homozygote.

Submission:

Mayo Clinic Laboratories, Mayo Clinic
Classification: Likely benign. Last evaluated: 2025-10-13. Review status: criteria provided, single submitter. Criteria: ACMG Guidelines, 2015. Collection method: clinical testing. Allele origin: germline. Observed: 1 variant allele.
Comment: BP4, BP7, PM2_supporting